The following is an entry in ClinVar:

NM_013254.4(TBK1):c.2176G>A (p.Val726Ile)

Gene: TBK1 (TANK binding kinase 1; plus strand). Cytogenetic location: 12q14.2.
Variant type: single nucleotide variant.
Coding change: c.2176G>A on transcript NM_013254.4 (MANE Select); coding-DNA position 2176, G replaced by A.
Protein change: p.Val726Ile; replaces valine 726 with isoleucine.
Molecular consequence: missense variant.
Genome position (GRCh38, 1-based): chr12:64,501,367, G>A. VCF-style: chr12-64501367-G-A. GRCh37 (hg19) VCF-style: chr12-64895147-G-A.
Other names: short protein forms V726I.
Identifiers: ClinVar variation 2910318 (VCV002910318.3), dbSNP rs773456585, ClinGen allele CA238279598.

ClinVar aggregate classification (germline): Uncertain significance (1 of 4 stars; one submission).

Conditions:
Frontotemporal dementia and/or amyotrophic lateral sclerosis 4. Also called: FTDALS4. Identifiers: Orphanet 275872, MedGen C4225325, MONDO:0014641, OMIM 616439.

Submission:

Labcorp Genetics (formerly Invitae), Labcorp
Classification: Uncertain significance for Frontotemporal dementia and/or amyotrophic lateral sclerosis 4. Last evaluated: 2024-09-06. Review status: criteria provided, single submitter. Criteria: Invitae Variant Classification Sherloc (09022015). Collection method: clinical testing. Allele origin: germline.
Comment: This sequence change replaces valine, which is neutral and non-polar, with isoleucine, which is neutral and non-polar, at codon 726 of the TBK1 protein (p.Val726Ile). This variant is not present in population databases (gnomAD no frequency). This missense change has been observed in individual(s) with clinical features of TBK1-related conditions (PMID: 29146049). Invitae Evidence Modeling of protein sequence and biophysical properties (such as structural, functional, and spatial information, amino acid conservation, physicochemical variation, residue mobility, and thermodynamic stability) indicates that this missense variant is not expected to disrupt TBK1 protein function with a negative predictive value of 95%. In summary, the available evidence is currently insufficient to determine the role of this variant in disease. Therefore, it has been classified as a Variant of Uncertain Significance.

Literature cited by the submitters: PubMed 29146049.